The following is an entry in ClinVar:

ClinVar aggregate classification (germline): Uncertain significance (1 of 4 stars; one submission).

Conditions:
Hypercholesterolemia, autosomal dominant, 3 (FHCL3). Also called: Familial Hypercholesterolemia, Autosomal Dominant, 3; Familial hypercholesterolemia 3; PCSK9-Related Familial Hypercholesterolemia, Autosomal Dominant. Identifiers: MedGen C1863551, MONDO:0011369, OMIM 603776.

Submission:

Labcorp Genetics (formerly Invitae), Labcorp
Classification: Uncertain significance for Hypercholesterolemia, autosomal dominant, 3. Last evaluated: 2024-11-11. Review status: criteria provided, single submitter. Criteria: Invitae Variant Classification Sherloc (09022015). Collection method: clinical testing. Allele origin: germline.
Comment: This sequence change replaces serine, which is neutral and polar, with arginine, which is basic and polar, at codon 376 of the PCSK9 protein (p.Ser376Arg). This variant is not present in population databases (gnomAD no frequency). This variant has not been reported in the literature in individuals affected with PCSK9-related conditions. Invitae Evidence Modeling of protein sequence and biophysical properties (such as structural, functional, and spatial information, amino acid conservation, physicochemical variation, residue mobility, and thermodynamic stability) has been performed for this missense variant. However, the output from this modeling did not meet the statistical confidence thresholds required to predict the impact of this variant on PCSK9 protein function. In summary, the available evidence is currently insufficient to determine the role of this variant in disease. Therefore, it has been classified as a Variant of Uncertain Significance.

NM_174936.4(PCSK9):c.1128C>G (p.Ser376Arg)

Gene: PCSK9 (proprotein convertase subtilisin/kexin type 9; plus strand). Cytogenetic location: 1p32.3.
Variant type: single nucleotide variant.
Coding change: c.1128C>G on transcript NM_174936.4 (MANE Select); coding-DNA position 1128, C replaced by G.
Protein change: p.Ser376Arg; replaces serine 376 with arginine.
Molecular consequence: missense variant. On other transcripts: non-coding transcript variant (8).
Genome position (GRCh38, 1-based): chr1:55,057,462, C>G. VCF-style: chr1-55057462-C-G. GRCh37 (hg19) VCF-style: chr1-55523135-C-G.
Other names: c.1251C>G, p.Ser417Arg (NM_001407240.1); c.1128C>G, p.Ser376Arg (NM_001407241.1, NM_001407244.1, NM_001407247.1); c.1131C>G, p.Ser377Arg (NM_001407242.1); c.1071C>G, p.Ser357Arg (NM_001407243.1); c.936C>G, p.Ser312Arg (NM_001407245.1); c.753C>G, p.Ser251Arg (NM_001407246.1); short protein forms S251R, S377R, S417R, S357R, S376R, S312R.
Identifiers: ClinVar variation 3633569 (VCV003633569.2).